The following is an entry in ClinVar:

ClinVar aggregate classification (germline): Uncertain significance. Review status: criteria provided, multiple submitters, no conflicts (2 of 4 stars). 2 submissions from 2 submitters: Uncertain significance (2). Last evaluated 2025-01-26.

Allele frequency attached by ClinVar (database versions not stated): gnomAD 0.00001; gnomAD exomes 0.00001; TOPMed 0.00001.
gnomAD v4.1: 21 of 1,614,016 alleles (0.0013%); highest among the groups gnomAD compares: East Asian, 0.0022%; no homozygotes.

Submissions (2):

GeneDx
Classification: Uncertain significance. Last evaluated: 2025-01-26. Review status: criteria provided, single submitter. Criteria: GeneDx Variant Classification Process June 2021. Collection method: clinical testing. Allele origin: germline. Affected: yes.
Comment: Not observed at significant frequency in large population cohorts (gnomAD); In silico analysis indicates that this missense variant does not alter protein structure/function; Has not been previously published as pathogenic or benign to our knowledge

Labcorp Genetics (formerly Invitae), Labcorp
Classification: Uncertain significance. Last evaluated: 2022-02-16. Review status: criteria provided, single submitter. Criteria: Invitae Variant Classification Sherloc (09022015). Collection method: clinical testing. Allele origin: germline.
Comment: In summary, the available evidence is currently insufficient to determine the role of this variant in disease. Therefore, it has been classified as a Variant of Uncertain Significance. Algorithms developed to predict the effect of missense changes on protein structure and function are either unavailable or do not agree on the potential impact of this missense change (SIFT: "Deleterious"; PolyPhen-2: "Probably Damaging"; Align-GVGD: "Class C0"). This variant has not been reported in the literature in individuals affected with NFKB1-related conditions. This variant is present in population databases (no rsID available, gnomAD 0.003%). This sequence change replaces valine, which is neutral and non-polar, with methionine, which is neutral and non-polar, at codon 212 of the NFKB1 protein (p.Val212Met).

NM_003998.4(NFKB1):c.634G>A (p.Val212Met)

Gene: NFKB1 (nuclear factor kappa B subunit 1; plus strand). Cytogenetic location: 4q24.
Variant type: single nucleotide variant.
Coding change: c.634G>A on transcript NM_003998.4 (MANE Select); coding-DNA position 634, G replaced by A.
Protein change: p.Val212Met; replaces valine 212 with methionine.
Molecular consequence: missense variant.
Genome position (GRCh38, 1-based): chr4:102,578,943, G>A. VCF-style: chr4-102578943-G-A. GRCh37 (hg19) VCF-style: chr4-103500100-G-A.
Other names: c.634G>A (NM_003998.3); c.631G>A, p.Val211Met (NM_001165412.2, NM_001319226.2, NM_001382627.1); c.634G>A, p.Val212Met (NM_001382625.1, NM_001382626.1); c.592G>A, p.Val198Met (NM_001382628.1); short protein forms V211M, V198M, V212M.
Identifiers: ClinVar variation 2196143 (VCV002196143.6), dbSNP rs1325477490, ClinGen allele CA357959603.